The following is an entry in ClinVar:

NM_002025.4(AFF2):c.1123A>G (p.Met375Val)

Gene: AFF2 (ALF transcription elongation factor 2; plus strand). Cytogenetic location: Xq28.
Variant type: single nucleotide variant.
Coding change: c.1123A>G on transcript NM_002025.4 (MANE Select); coding-DNA position 1123, A replaced by G.
Protein change: p.Met375Val; replaces methionine 375 with valine.
Molecular consequence: missense variant. On other transcripts: intron variant (4).
Genome position (GRCh38, 1-based): chrX:148,837,683, A>G. VCF-style: chrX-148837683-A-G. GRCh37 (hg19) VCF-style: chrX-147919207-A-G.
Other names: c.1111A>G, p.Met371Val (NM_001169123.2); c.1087-5283A>G (NM_001169124.2); c.1075-5283A>G (NM_001169122.2, NM_001169125.2); c.97-5283A>G (NM_001170628.1); short protein forms M371V, M375V.
Identifiers: ClinVar variation 3362126 (VCV003362126.2).

ClinVar aggregate classification (germline): Uncertain significance (1 of 4 stars; one submission).

gnomAD v4.1: 5 of 1,199,622 alleles (0.00042%); highest among the groups gnomAD compares: Non-Finnish European, 0.00056%; no homozygotes.

Submission:

GeneDx
Classification: Uncertain significance. Last evaluated: 2025-04-02. Review status: criteria provided, single submitter. Criteria: GeneDx Variant Classification Process June 2021. Collection method: clinical testing. Allele origin: germline.
Comment: Not observed at significant frequency in large population cohorts (gnomAD); In silico analysis indicates that this missense variant does not alter protein structure/function; Has not been previously published as pathogenic or benign to our knowledge